The following is an entry in ClinVar:

ClinVar aggregate classification (germline): Conflicting classifications of pathogenicity. Review status: criteria provided, conflicting classifications (1 of 4 stars). 2 submissions from 2 submitters: Uncertain significance (1); Likely benign (1). Last evaluated 2026-07-01.

Conditions:
Holoprosencephaly 5 (HPE5). Identifiers: Orphanet 2162, MedGen C1864827, MONDO:0012322, OMIM 609637.

Allele frequency attached by ClinVar (database versions not stated): gnomAD exomes below 0.00001.
gnomAD v4.1: 1 of 1,614,012 alleles (0.000062%); highest among the groups gnomAD compares: Non-Finnish European, 0.000085%; no homozygotes.

Submissions (2):

CeGaT Center for Human Genetics Tuebingen
Classification: Uncertain significance. Last evaluated: 2026-07-01. Review status: criteria provided, single submitter. Criteria: CeGaT Center For Human Genetics Tuebingen Variant Classification Criteria Version 2. Collection method: clinical testing. Allele origin: germline. Affected: yes. Observed: 1 variant allele.
Comment: ZIC2: PM2, BP4

Labcorp Genetics (formerly Invitae), Labcorp
Classification: Likely benign for Holoprosencephaly 5. Last evaluated: 2024-04-05. Review status: criteria provided, single submitter. Criteria: Invitae Variant Classification Sherloc (09022015). Collection method: clinical testing. Allele origin: germline.

NM_007129.5(ZIC2):c.1076-8G>A

Gene: ZIC2 (Zic family zinc finger 2; plus strand). Cytogenetic location: 13q32.3.
Variant type: single nucleotide variant.
Coding change: c.1076-8G>A on transcript NM_007129.5 (MANE Select); 8 bases into the intron before coding-DNA position 1076, G replaced by A.
Molecular consequence: intron variant.
Genome position (GRCh38, 1-based): chr13:99,984,938, G>A. VCF-style: chr13-99984938-G-A. GRCh37 (hg19) VCF-style: chr13-100637192-G-A.
Identifiers: ClinVar variation 2912954 (VCV002912954.4), dbSNP rs2501549065, ClinGen allele CA2623551609.